The following is an entry in ClinVar:

NM_000238.4(KCNH2):c.916+14_916+15delinsTA

Gene: KCNH2 (potassium voltage-gated channel subfamily H member 2; minus strand). Cytogenetic location: 7q36.1.
Variant type: Indel.
Coding change: c.916+14_916+15delinsTA on transcript NM_000238.4 (MANE Select); bases 14 to 15 of the intron after coding-DNA position 916, GG replaced by TA.
Molecular consequence: intron variant.
Genome position (GRCh38, 1-based): chr7:150,958,044-150,958,045, CC replaced by TA on the plus strand (GG replaced by TA on the coding strand, the reverse complement: KCNH2 is on the minus strand). VCF-style: chr7-150958044-CC-TA. GRCh37 (hg19) VCF-style: chr7-150655132-CC-TA.
Other names: c.628+14_628+15delinsTA (NM_001406753.1, NM_001406756.1); c.916+14_916+15delinsTA (NM_172056.3); c.739+14_739+15delinsTA (NM_001406755.1); c.616+14_616+15delinsTA (NM_001406757.1).
Identifiers: ClinVar variation 1570184 (VCV001570184.10), dbSNP rs2117002143, ClinGen allele CA2573141812.

ClinVar aggregate classification (germline): Likely benign. Review status: criteria provided, multiple submitters, no conflicts (2 of 4 stars). 2 submissions from 2 submitters: Likely benign (2). Last evaluated 2026-04-20.

Conditions:
Long QT syndrome (LQTS). Identifiers: MedGen C0023976, MeSH D008133, MONDO:0002442. Disease mechanism: loss of function. Inheritance: Various modes of inheritance.

Submissions (2):

Women's Health and Genetics/Laboratory Corporation of America, LabCorp
Classification: Likely benign. Last evaluated: 2026-04-20. Review status: criteria provided, single submitter. Criteria: LabCorp Variant Classification Summary - May 2015. Collection method: clinical testing. Allele origin: germline.
Comment: Variant summary: KCNH2 c.916+14_916+15delinsTA alters a nucleotide located at a position not widely known to affect splicing. Consensus agreement among computation tools predict no significant impact on normal splicing. However, these predictions have yet to be confirmed by functional studies. The frequency data for this variant in gnomAD is considered unreliable, as metrics indicate poor data quality at this position. To our knowledge, no occurrence of c.916+14_916+15delinsTA in individuals affected with KCNH2-related conditions and no experimental evidence demonstrating its impact on protein function have been reported. ClinVar contains an entry for this variant (Variation ID: 1570184). Based on the evidence outlined above, the variant was classified as likely benign.

Labcorp Genetics (formerly Invitae), Labcorp
Classification: Likely benign for Long QT syndrome. Last evaluated: 2026-01-06. Review status: criteria provided, single submitter. Criteria: Invitae Variant Classification Sherloc (09022015). Collection method: clinical testing. Allele origin: germline.